The following is an entry in ClinVar:

NM_182943.3(PLOD2):c.109+47G>C

Gene: PLOD2 (procollagen-lysine,2-oxoglutarate 5-dioxygenase 2; minus strand). Cytogenetic location: 3q24.
Variant type: single nucleotide variant.
Coding change: c.109+47G>C on transcript NM_182943.3 (MANE Select); 47 bases into the intron after coding-DNA position 109, G replaced by C.
Molecular consequence: intron variant.
Genome position (GRCh38, 1-based): chr3:146,160,834, C>G on the plus strand (G>C on the coding strand, the complement: PLOD2 is on the minus strand). VCF-style: chr3-146160834-C-G. GRCh37 (hg19) VCF-style: chr3-145878621-C-G.
Other names: c.109+47G>C (NM_000935.3).
Identifiers: ClinVar variation 675336 (VCV000675336.2), dbSNP rs76718163, ClinGen allele CA2655368.

ClinVar aggregate classification (germline): Benign. Review status: criteria provided, multiple submitters, no conflicts (2 of 4 stars). 2 submissions from 2 submitters: Benign (2). Last evaluated 2018-06-16.

Allele frequency attached by ClinVar (database versions not stated): 1000 Genomes Project 30x 0.02842; 1000 Genomes Project 0.02776.
gnomAD v4.1: 6,263 of 1,257,758 alleles (0.5%); highest among the groups gnomAD compares: African/African-American, 7.9%; 244 homozygotes.

Submissions (2):

GeneDx
Classification: Benign. Last evaluated: 2018-06-16. Review status: criteria provided, single submitter. Criteria: GeneDx Variant Classification (06012015). Collection method: clinical testing. Allele origin: germline. Affected: yes.
Comment: This variant is considered likely benign or benign based on one or more of the following criteria: it is a conservative change, it occurs at a poorly conserved position in the protein, it is predicted to be benign by multiple in silico algorithms, and/or has population frequency not consistent with disease.

Breakthrough Genomics
Classification: Benign. Review status: criteria provided, single submitter. Criteria: ACMG Guidelines, 2015. Collection method: not provided. Allele origin: germline. Inheritance: Autosomal recessive inheritance. Affected: yes.